The following is an entry in ClinVar:

ClinVar aggregate classification (germline): Uncertain significance. Review status: criteria provided, multiple submitters, no conflicts (2 of 4 stars). 2 submissions from 2 submitters: Uncertain significance (2). Last evaluated 2025-11-03.

Allele frequency attached by ClinVar (database versions not stated): TOPMed 0.00001.
gnomAD v4.1: 39 of 1,612,744 alleles (0.0024%); highest among the groups gnomAD compares: Middle Eastern, 0.017%; no homozygotes.

Submissions (2):

Ambry Genetics
Classification: Uncertain significance. Last evaluated: 2025-11-03. Review status: criteria provided, single submitter. Criteria: Ambry Variant Classification Scheme 2023. Collection method: clinical testing. Allele origin: germline.

Labcorp Genetics (formerly Invitae), Labcorp
Classification: Uncertain significance. Last evaluated: 2022-07-11. Review status: criteria provided, single submitter. Criteria: Invitae Variant Classification Sherloc (09022015). Collection method: clinical testing. Allele origin: germline.
Comment: This sequence change replaces arginine, which is basic and polar, with glutamine, which is neutral and polar, at codon 598 of the SAMD11 protein (p.Arg598Gln). This variant is present in population databases (rs748747105, gnomAD 0.004%). This variant has not been reported in the literature in individuals affected with SAMD11-related conditions. ClinVar contains an entry for this variant (Variation ID: 953764). Algorithms developed to predict the effect of missense changes on protein structure and function are either unavailable or do not agree on the potential impact of this missense change (SIFT: "Deleterious"; PolyPhen-2: "Probably Damaging"; Align-GVGD: "Class C0"). Algorithms developed to predict the effect of sequence changes on RNA splicing suggest that this variant may create or strengthen a splice site. In summary, the available evidence is currently insufficient to determine the role of this variant in disease. Therefore, it has been classified as a Variant of Uncertain Significance.

NM_001385641.1(SAMD11):c.2282G>A (p.Arg761Gln)

Gene: SAMD11 (sterile alpha motif domain containing 11; plus strand). Cytogenetic location: 1p36.33.
Variant type: single nucleotide variant.
Coding change: c.2282G>A on transcript NM_001385641.1 (MANE Select); coding-DNA position 2282, G replaced by A.
Protein change: p.Arg761Gln; replaces arginine 761 with glutamine.
Molecular consequence: missense variant.
Genome position (GRCh38, 1-based): chr1:943,801, G>A. VCF-style: chr1-943801-G-A. GRCh37 (hg19) VCF-style: chr1-879181-G-A.
Other names: c.2285G>A, p.Arg762Gln (NM_001385640.1); c.1793G>A, p.Arg598Gln (NM_152486.4); short protein forms R598Q, R761Q, R762Q.
Identifiers: ClinVar variation 953764 (VCV000953764.6), dbSNP rs748747105, ClinGen allele CA503276.